The following is an entry in ClinVar:

ClinVar aggregate classification (germline): Uncertain significance (1 of 4 stars; one submission).

gnomAD v4.1: 1 of 1,611,412 alleles (0.000062%); highest among the groups gnomAD compares: Non-Finnish European, 0.000085%; no homozygotes.

Submission:

Labcorp Genetics (formerly Invitae), Labcorp
Classification: Uncertain significance. Last evaluated: 2023-04-22. Review status: criteria provided, single submitter. Criteria: Invitae Variant Classification Sherloc (09022015). Collection method: clinical testing. Allele origin: germline.
Comment: In summary, the available evidence is currently insufficient to determine the role of this variant in disease. Therefore, it has been classified as a Variant of Uncertain Significance. Advanced modeling of protein sequence and biophysical properties (such as structural, functional, and spatial information, amino acid conservation, physicochemical variation, residue mobility, and thermodynamic stability) performed at Invitae indicates that this missense variant is not expected to disrupt NALCN protein function. This variant has not been reported in the literature in individuals affected with NALCN-related conditions. This variant is not present in population databases (gnomAD no frequency). This sequence change replaces aspartic acid, which is acidic and polar, with valine, which is neutral and non-polar, at codon 1408 of the NALCN protein (p.Asp1408Val).

NM_052867.4(NALCN):c.4223A>T (p.Asp1408Val)

Gene: NALCN (sodium leak channel, non-selective; minus strand). Cytogenetic location: 13q32.3.
Variant type: single nucleotide variant.
Coding change: c.4223A>T on transcript NM_052867.4 (MANE Select); coding-DNA position 4223, A replaced by T.
Protein change: p.Asp1408Val; replaces aspartic acid 1408 with valine.
Molecular consequence: missense variant.
Genome position (GRCh38, 1-based): chr13:101,068,802, T>A on the plus strand (A>T on the coding strand, the complement: NALCN is on the minus strand). VCF-style: chr13-101068802-T-A. GRCh37 (hg19) VCF-style: chr13-101721154-T-A.
Other names: c.4310A>T, p.Asp1437Val (NM_001350748.2); c.4223A>T, p.Asp1408Val (NM_001350749.2); c.4136A>T, p.Asp1379Val (NM_001350750.2, NM_001350751.2); short protein forms D1437V, D1379V, D1408V.
Identifiers: ClinVar variation 2790240 (VCV002790240.3), dbSNP rs754653718, ClinGen allele CA388647591.